The following is an entry in ClinVar:

NM_000062.3(SERPING1):c.685+2T>A

Gene: SERPING1 (serpin family G member 1; plus strand). Cytogenetic location: 11q12.1.
Variant type: single nucleotide variant.
Coding change: c.685+2T>A on transcript NM_000062.3 (MANE Select); the canonical splice donor site of the intron after coding-DNA position 685, T replaced by A.
Molecular consequence: splice donor variant.
Genome position (GRCh38, 1-based): chr11:57,602,171, T>A. VCF-style: chr11-57602171-T-A. GRCh37 (hg19) VCF-style: chr11-57369644-T-A.
Other names: c.685+2T>A (NM_001032295.2).
Identifiers: ClinVar variation 3721032 (VCV003721032.2).

ClinVar aggregate classification (germline): Pathogenic (1 of 4 stars; one submission).

Submission:

Labcorp Genetics (formerly Invitae), Labcorp
Classification: Pathogenic. Last evaluated: 2024-02-06. Review status: criteria provided, single submitter. Criteria: Invitae Variant Classification Sherloc (09022015). Collection method: clinical testing. Allele origin: germline.
Comment: This sequence change affects a donor splice site in intron 4 of the SERPING1 gene. It is expected to disrupt RNA splicing. Variants that disrupt the donor or acceptor splice site typically lead to a loss of protein function (PMID: 16199547), and loss-of-function variants in SERPING1 are known to be pathogenic (PMID: 11112899, 24456027). This variant is not present in population databases (gnomAD no frequency). Disruption of this splice site has been observed in individuals with hereditary angiodema (PMID: 18586324, 24412907). Studies have shown that disruption of this splice site is associated with inconclusive levels of altered splicing (PMID: 24412907). For these reasons, this variant has been classified as Pathogenic.

Literature cited by the submitters: PubMed 16199547; PubMed 11112899; PubMed 24456027; PubMed 18586324; PubMed 24412907.